The following is an entry in ClinVar:

ClinVar aggregate classification (germline): Likely benign (0 of 4 stars; one submission).

Conditions:
CRYM-related disorder. Also called: CRYM-related condition.

Submission:

PreventionGenetics, part of Exact Sciences
Classification: Likely benign for CRYM-related condition. Last evaluated: 2019-04-05. Review status: no assertion criteria provided. Collection method: clinical testing. Allele origin: germline.
Comment: This variant is classified as likely benign based on ACMG/AMP sequence variant interpretation guidelines (Richards et al. 2015 PMID: 25741868, with internal and published modifications).

NM_001376256.1(CRYM):c.*3_*6del (p.Ter315=)

Gene: CRYM (crystallin mu; minus strand). Cytogenetic location: 16p12.2.
Variant type: Deletion.
Coding change: c.*3_*6del on transcript NM_001376256.1 (MANE Select); 3 bases downstream of the stop codon through 6 bases downstream of the stop codon, 4 bases deleted (CAAA; older notation c.*3_*6delCAAA).
Protein change: p.Ter315=.
Molecular consequence: no sequence alteration.
Genome position (GRCh38, 1-based): chr16:21,258,775-21,258,778, TTTG deleted on the plus strand (CAAA on the coding strand, the reverse complement: CRYM is on the minus strand); deleting any 4 consecutive bases within chr16:21,258,775-21,258,781 gives the same sequence; the c. name uses the placement nearest the transcript's 3' end. VCF-style (leftmost placement, unchanged base first): chr16-21258774-CTTTG-C. GRCh37 (hg19) VCF-style: chr16-21270095-CTTTG-C.
Other names: c.*3_*6del, p.Ter315= (NM_001888.5).
Identifiers: ClinVar variation 3058056 (VCV003058056.2), dbSNP rs1428220564, ClinGen allele CA719019985.